The following is an entry in ClinVar:

ClinVar aggregate classification (germline): Uncertain significance. Review status: criteria provided, multiple submitters, no conflicts (2 of 4 stars). 2 submissions from 2 submitters: Uncertain significance (2). Last evaluated 2019-09-19.

Conditions:
Autosomal dominant nonsyndromic hearing loss 2A. Also called: DFNA2 Nonsyndromic Hearing Loss; Deafness, autosomal dominant 2A; Autosomal dominant nonsyndromic deafness 2A. Identifiers: Orphanet 90635, MedGen C2677637, MONDO:0010817, OMIM 600101.

Submissions (2):

GeneDx
Classification: Uncertain significance. Last evaluated: 2019-09-19. Review status: criteria provided, single submitter. Criteria: GeneDx Variant Classification Process June 2021. Collection method: clinical testing. Allele origin: germline. Affected: yes.
Comment: Not observed in large population cohorts (Lek et al., 2016); In silico analysis, which includes protein predictors and evolutionary conservation, supports a deleterious effect; Has not been previously published as pathogenic or benign to our knowledge

Precision Medicine Center, Zhengzhou University
Classification: Uncertain significance for Autosomal dominant nonsyndromic hearing loss 2A. Last evaluated: 2006-06-30. Review status: criteria provided, single submitter. Criteria: ClinGen HL ACMG Specifications v1. Collection method: clinical testing. Allele origin: maternal. Affected: yes.
Comment: PM1+PM2+PP3:The KCNQ4 c.862G>A variant is absent or extremely rare in population databases (PM2). It is located within a critical functional domain of the KCNQ4 protein where pathogenic missense variants are enriched (PM1), and multiple computational prediction algorithms support a deleterious effect on protein function (PP3). According to the ACMG/AMP guidelines, this variant is classified as a Variant of Uncertain Significance (VUS).

NM_004700.4(KCNQ4):c.862G>A (p.Asp288Asn)

Gene: KCNQ4 (potassium voltage-gated channel subfamily Q member 4; plus strand). Cytogenetic location: 1p34.2.
Variant type: single nucleotide variant.
Coding change: c.862G>A on transcript NM_004700.4 (MANE Select); coding-DNA position 862, G replaced by A.
Protein change: p.Asp288Asn; replaces aspartic acid 288 with asparagine.
Molecular consequence: missense variant.
Genome position (GRCh38, 1-based): chr1:40,819,902, G>A. VCF-style: chr1-40819902-G-A. GRCh37 (hg19) VCF-style: chr1-41285574-G-A.
Other names: c.862G>A, p.Asp288Asn (NM_172163.3); short protein forms D288N.
Identifiers: ClinVar variation 1304257 (VCV001304257.3), dbSNP rs2148320014, ClinGen allele CA339895874.